The following is an entry in ClinVar:

ClinVar aggregate classification (germline): Uncertain significance. Review status: criteria provided, multiple submitters, no conflicts (2 of 4 stars). 8 submissions from 4 submitters: Uncertain significance (8). Last evaluated 2025-07-28.

Conditions:
TTN-related disorder. Also called: TTN-related condition; TTN-related disease; TTN-related disorders.
Tibial muscular dystrophy (TMD). Also called: Tibial muscular dystrophy, tardive; UDD MYOPATHY; Udd Distal Myopathy – Tibial Muscular Dystrophy. Identifiers: Orphanet 609, MedGen C1838244, MONDO:0010870, OMIM 600334.
Dilated cardiomyopathy 1G (CMD1G). Identifiers: Orphanet 154, MedGen C1858763, MONDO:0011400, OMIM 604145.
Early-onset myopathy with fatal cardiomyopathy (CMYO5). Also called: Salih Myopathy; CONGENITAL MYOPATHY 5 WITH CARDIOMYOPATHY. Identifiers: Orphanet 289377, MedGen C2673677, MONDO:0012714, OMIM 611705. Disease mechanism: loss of function.
Myopathy, myofibrillar, 9, with early respiratory failure (MFM9). Also called: EDSTROM MYOPATHY; Myopathy, distal, with early respiratory failure, autosomal dominant; Hereditary myopathy with early respiratory failure; MYOPATHY, PROXIMAL, WITH EARLY RESPIRATORY MUSCLE INVOLVEMENT. Identifiers: Orphanet 178464, Orphanet 34521, MedGen C1863599, MONDO:0011362, OMIM 603689.
Autosomal recessive limb-girdle muscular dystrophy type 2J (LGMDR10). Also called: Limb-girdle muscular dystrophy, type 2J; MUSCULAR DYSTROPHY, LIMB-GIRDLE, AUTOSOMAL RECESSIVE 10. Identifiers: Orphanet 140922, MedGen C1837342, MONDO:0012127, OMIM 608807.

Allele frequency attached by ClinVar (database versions not stated): gnomAD exomes below 0.00001; TOPMed below 0.00001; ExAC 0.00001; gnomAD 0.00001.
gnomAD v4.1: 31 of 1,613,826 alleles (0.0019%); highest among the groups gnomAD compares: Non-Finnish European, 0.0025%; no homozygotes.

Submissions (8):

Women's Health and Genetics/Laboratory Corporation of America, LabCorp
Classification: Uncertain significance. Last evaluated: 2025-07-28. Review status: criteria provided, single submitter. Criteria: LabCorp Variant Classification Summary - May 2015. Collection method: clinical testing. Allele origin: germline.

PreventionGenetics, part of Exact Sciences
Classification: Uncertain significance for TTN-related condition. Last evaluated: 2025-04-30. Review status: criteria provided, single submitter. Criteria: ACMG Guidelines, 2015. Collection method: clinical testing. Allele origin: germline.
Comment: The TTN c.90161C>T variant is predicted to result in the amino acid substitution p.Pro30054Leu. To our knowledge, this variant has not been reported in the literature. This variant is reported in 0.00089% of alleles in individuals of European (Non-Finnish) descent in gnomAD. At this time, the clinical significance of this variant is uncertain due to the absence of conclusive functional and genetic evidence.

Illumina Laboratory Services, Illumina
Classification: Uncertain significance for Myopathy, myofibrillar, 9, with early respiratory failure. Last evaluated: 2018-01-13. Review status: criteria provided, single submitter. Criteria: ICSL Variant Classification Criteria 13 December 2019. Collection method: clinical testing. Allele origin: germline.

Illumina Laboratory Services, Illumina
Classification: Uncertain significance for Tibial muscular dystrophy. Last evaluated: 2018-01-13. Review status: criteria provided, single submitter. Criteria: ICSL Variant Classification Criteria 13 December 2019. Collection method: clinical testing. Allele origin: germline.

Illumina Laboratory Services, Illumina
Classification: Uncertain significance for Dilated cardiomyopathy 1G. Last evaluated: 2018-01-13. Review status: criteria provided, single submitter. Criteria: ICSL Variant Classification Criteria 13 December 2019. Collection method: clinical testing. Allele origin: germline.

Illumina Laboratory Services, Illumina
Classification: Uncertain significance for Autosomal recessive limb-girdle muscular dystrophy type 2J. Last evaluated: 2018-01-13. Review status: criteria provided, single submitter. Criteria: ICSL Variant Classification Criteria 13 December 2019. Collection method: clinical testing. Allele origin: germline.

Illumina Laboratory Services, Illumina
Classification: Uncertain significance for Early-onset myopathy with fatal cardiomyopathy. Last evaluated: 2018-01-13. Review status: criteria provided, single submitter. Criteria: ICSL Variant Classification Criteria 13 December 2019. Collection method: clinical testing. Allele origin: germline.

Eurofins Ntd Llc (ga)
Classification: Uncertain significance. Last evaluated: 2017-03-08. Review status: criteria provided, single submitter. Criteria: EGL Classification Definitions 2015. Collection method: clinical testing. Allele origin: germline. Observed: 1 variant allele, 1 heterozygote.

NM_001267550.2(TTN):c.90161C>T (p.Pro30054Leu)

Genes: TTN (titin; minus strand), TTN-AS1 (TTN antisense RNA 1; plus strand). Cytogenetic location: 2q31.2.
Variant type: single nucleotide variant.
Coding change: c.90161C>T on transcript NM_001267550.2 (MANE Select); coding-DNA position 90161, C replaced by T.
Protein change: p.Pro30054Leu; replaces proline 30054 with leucine.
Molecular consequence: missense variant.
Genome position (GRCh38, 1-based): chr2:178,552,739, G>A on the plus strand (C>T on the coding strand, the complement: TTN is on the minus strand). VCF-style: chr2-178552739-G-A. GRCh37 (hg19) VCF-style: chr2-179417466-G-A.
Other names: c.85238C>T, p.Pro28413Leu (NM_001256850.1); c.62966C>T, p.Pro20989Leu (NM_003319.4); c.82457C>T, p.Pro27486Leu (NM_133378.4); c.63341C>T, p.Pro21114Leu (NM_133432.3); c.63542C>T, p.Pro21181Leu (NM_133437.4); short protein forms P27486L, P30054L, P21114L, P21181L, P28413L, P20989L.
Identifiers: ClinVar variation 500733 (VCV000500733.11), dbSNP rs767891763, ClinGen allele CA1987826.